The following is an entry in ClinVar:

NM_001080414.4(CCDC88C):c.2485del (p.Gln829fs)

Gene: CCDC88C (coiled-coil and HOOK domain protein 88C; minus strand). Cytogenetic location: 14q32.11.
Variant type: Deletion.
Coding change: c.2485del on transcript NM_001080414.4 (MANE Select); coding-DNA position 2485, one base deleted (C; older notation c.2485delC).
Protein change: p.Gln829fs; shifts the reading frame from glutamine 829.
Molecular consequence: frameshift variant. On other transcripts: non-coding transcript variant (2).
Genome position (GRCh38, 1-based): chr14:91,313,331, G deleted on the plus strand (C on the coding strand, the reverse complement: CCDC88C is on the minus strand); the first of 3 consecutive G bases (chr14:91,313,331-91,313,333); deleting any one gives the same sequence. VCF-style (leftmost placement, unchanged base first): chr14-91313330-TG-T. GRCh37 (hg19) VCF-style: chr14-91779674-TG-T.
Other names: short protein forms Q829fs.
Identifiers: ClinVar variation 3642015 (VCV003642015.2).

ClinVar aggregate classification (germline): Pathogenic (1 of 4 stars; one submission).

Submission:

Labcorp Genetics (formerly Invitae), Labcorp
Classification: Pathogenic. Last evaluated: 2024-02-19. Review status: criteria provided, single submitter. Criteria: Invitae Variant Classification Sherloc (09022015). Collection method: clinical testing. Allele origin: germline.
Comment: This sequence change creates a premature translational stop signal (p.Gln829Serfs*58) in the CCDC88C gene. It is expected to result in an absent or disrupted protein product. Loss-of-function variants in CCDC88C are known to be pathogenic (PMID: 23042809, 29225145). This variant is not present in population databases (gnomAD no frequency). This variant has not been reported in the literature in individuals affected with CCDC88C-related conditions. For these reasons, this variant has been classified as Pathogenic.

Literature cited by the submitters: PubMed 23042809; PubMed 29225145.